The following is an entry in ClinVar:

ClinVar aggregate classification (germline): Uncertain significance (1 of 4 stars; one submission).

Allele frequency attached by ClinVar (database versions not stated): gnomAD 0.00001; gnomAD exomes 0.00002; TOPMed 0.00003.
gnomAD v4.1: 19 of 1,228,376 alleles (0.0015%); highest among the groups gnomAD compares: Non-Finnish European, 0.0018%; no homozygotes.

Submission:

Labcorp Genetics (formerly Invitae), Labcorp
Classification: Uncertain significance. Last evaluated: 2023-02-18. Review status: criteria provided, single submitter. Criteria: Invitae Variant Classification Sherloc (09022015). Collection method: clinical testing. Allele origin: germline.
Comment: This variant has not been reported in the literature in individuals affected with SIRT1-related conditions. In summary, the available evidence is currently insufficient to determine the role of this variant in disease. Therefore, it has been classified as a Variant of Uncertain Significance. An algorithm developed to predict the effect of missense changes on protein structure and function (PolyPhen-2) suggests that this variant is likely to be disruptive. This variant is not present in population databases (gnomAD no frequency). This sequence change replaces proline, which is neutral and non-polar, with leucine, which is neutral and non-polar, at codon 15 of the SIRT1 protein (p.Pro15Leu).

NM_012238.5(SIRT1):c.44C>T (p.Pro15Leu)

Genes: SIRT1 (sirtuin 1; plus strand), LOC107832851 (SIRT1 promoter region; plus strand). Cytogenetic location: 10q21.3.
Variant type: single nucleotide variant.
Coding change: c.44C>T on transcript NM_012238.5 (MANE Select); coding-DNA position 44, C replaced by T.
Protein change: p.Pro15Leu; replaces proline 15 with leucine.
Molecular consequence: missense variant.
Genome position (GRCh38, 1-based): chr10:67,884,765, C>T. VCF-style: chr10-67884765-C-T. GRCh37 (hg19) VCF-style: chr10-69644523-C-T.
Other names: short protein forms P15L.
Identifiers: ClinVar variation 2978096 (VCV002978096.3), dbSNP rs1368006921, ClinGen allele CA377035119.